The following is an entry in ClinVar:

NM_139058.3(ARX):c.856G>A (p.Gly286Ser)

Gene: ARX (aristaless related homeobox; minus strand). Cytogenetic location: Xp21.3.
Variant type: single nucleotide variant.
Coding change: c.856G>A on transcript NM_139058.3 (MANE Select); coding-DNA position 856, G replaced by A.
Protein change: p.Gly286Ser; replaces glycine 286 with serine.
Molecular consequence: missense variant.
Genome position (GRCh38, 1-based): chrX:25,013,139, C>T on the plus strand (G>A on the coding strand, the complement: ARX is on the minus strand). VCF-style: chrX-25013139-C-T. GRCh37 (hg19) VCF-style: chrX-25031256-C-T.
Other names: short protein forms G286S.
Identifiers: ClinVar variation 11199 (VCV000011199.56), dbSNP rs28935479, ClinGen allele CA213173.

ClinVar aggregate classification (germline): Conflicting classifications of pathogenicity. Review status: criteria provided, conflicting classifications (1 of 4 stars). 5 submissions from 5 submitters: Likely pathogenic (1); Uncertain significance (3). 1 of the submissions does not count toward it. Last evaluated 2025-07-21.

Conditions:
Intellectual disability, X-linked, with or without seizures, ARX-related. Also called: MENTAL RETARDATION, X-LINKED 29; MENTAL RETARDATION, X-LINKED 32; MENTAL RETARDATION, X-LINKED 33; MENTAL RETARDATION, X-LINKED 38; MENTAL RETARDATION, X-LINKED 43; MENTAL RETARDATION, X-LINKED 76. Identifiers: Orphanet 777, MedGen C0796244, MONDO:0010317, OMIM 300419.
Developmental and epileptic encephalopathy, 1 (DEE1). Also called: INFANTILE SPASM SYNDROME, X-LINKED 1; X-linked infantile spasms; West's syndrome; Tonic spasms with clustering, arrest of psychomotor development and hypsarrhythmia on EEG; X-Linked Infantile Spasm Syndrome; Epileptic encephalopathy, early infantile, 1. Identifiers: MedGen C3463992, MONDO:0010632, OMIM 308350. Disease mechanism: loss of function.
Inborn genetic diseases. Identifiers: MedGen C0950123, MeSH D030342.

Allele frequency attached by ClinVar (database versions not stated): TOPMed below 0.00001; gnomAD exomes 0.00001 and 0.00002.
gnomAD v4.1: 16 of 1,200,772 alleles (0.0013%); highest among the groups gnomAD compares: Non-Finnish European, 0.0018%; no homozygotes.

Submissions (5):

Labcorp Genetics (formerly Invitae), Labcorp
Classification: Uncertain significance for Developmental and epileptic encephalopathy, 1; Intellectual disability, X-linked, with or without seizures, ARX-related. Last evaluated: 2025-07-21. Review status: criteria provided, single submitter. Criteria: Invitae Variant Classification Sherloc (09022015). Collection method: clinical testing. Allele origin: germline.
Comment: This sequence change replaces glycine, which is neutral and non-polar, with serine, which is neutral and polar, at codon 286 of the ARX protein (p.Gly286Ser). This variant is present in population databases (rs28935479, gnomAD 0.002%), including at least one homozygous and/or hemizygous individual. This missense change has been observed in individual(s) with clinical features of ARX-related conditions (PMID: 11971879, 30255221; internal data). ClinVar contains an entry for this variant (Variation ID: 11199). Invitae Evidence Modeling of protein sequence and biophysical properties (such as structural, functional, and spatial information, amino acid conservation, physicochemical variation, residue mobility, and thermodynamic stability) indicates that this missense variant is not expected to disrupt ARX protein function with a negative predictive value of 80%. In summary, the available evidence is currently insufficient to determine the role of this variant in disease. Therefore, it has been classified as a Variant of Uncertain Significance.

Ambry Genetics
Classification: Uncertain significance for Inborn genetic diseases. Last evaluated: 2024-09-06. Review status: criteria provided, single submitter. Criteria: Ambry Variant Classification Scheme 2023. Collection method: clinical testing. Allele origin: germline.

Women's Health and Genetics/Laboratory Corporation of America, LabCorp
Classification: Uncertain significance. Last evaluated: 2024-06-17. Review status: criteria provided, single submitter. Criteria: LabCorp Variant Classification Summary - May 2015. Collection method: clinical testing. Allele origin: germline.
Comment: Variant summary: ARX c.856G>A (p.Gly286Ser) results in a non-conservative amino acid change in the encoded protein sequence. Three of five in-silico tools predict a benign effect of the variant on protein function. The variant allele was found at a frequency of 6.5e-06 in 154354 control chromosomes (gnomAD). The available data on variant occurrences in the general population are insufficient to allow any conclusion about variant significance. c.856G>A has been reported in the literature in individuals affected with Mental Retardation (Bienvenu_2002, Wu_2019). These data do not allow any conclusion about variant significance. To our knowledge, no experimental evidence demonstrating an impact on protein function has been reported. The following publications have been ascertained in the context of this evaluation (PMID: 11971879, 30255221). ClinVar contains an entry for this variant (Variation ID: 11199). Based on the evidence outlined above, the variant was classified as uncertain significance.

CeGaT Center for Human Genetics Tuebingen
Classification: Likely pathogenic. Last evaluated: 2016-09-01. Review status: criteria provided, single submitter. Criteria: CeGaT Center For Human Genetics Tuebingen Variant Classification Criteria Version 2. Collection method: clinical testing. Allele origin: germline. Affected: yes. Observed: 1 variant allele.

OMIM
Classification: Pathogenic for INTELLECTUAL DEVELOPMENTAL DISORDER, X-LINKED 29. Last evaluated: 2002-04-15. Review status: no assertion criteria provided. Collection method: literature only. Allele origin: germline. Not counted in ClinVar's aggregate classification.

Literature cited by the submitters: PubMed 11971879 (cited by 4 submitters); PubMed 30255221 (cited by 3 submitters).